The following is an entry in ClinVar:

ClinVar aggregate classification (germline): Uncertain significance (1 of 4 stars; one submission).

Conditions:
Bardet-Biedl syndrome (BBS). Identifiers: Orphanet 110, MedGen C0752166, MONDO:0015229.

Allele frequency attached by ClinVar (database versions not stated): gnomAD 0.00001; gnomAD exomes 0.00001 and 0.00003; TOPMed 0.00001.
gnomAD v4.1: 37 of 1,613,832 alleles (0.0023%); highest among the groups gnomAD compares: Non-Finnish European, 0.0031%; no homozygotes.

Submission:

Labcorp Genetics (formerly Invitae), Labcorp
Classification: Uncertain significance for Bardet-Biedl syndrome. Last evaluated: 2018-01-16. Review status: criteria provided, single submitter. Criteria: Invitae Variant Classification Sherloc (09022015). Collection method: clinical testing. Allele origin: germline.
Comment: This sequence change replaces glutamine with glutamic acid at codon 157 of the BBS4 protein (p.Gln157Glu). The glutamine residue is moderately conserved and there is a small physicochemical difference between glutamine and glutamic acid. This variant is not present in population databases (ExAC no frequency). This variant has not been reported in the literature in individuals with BBS4-related disease. Algorithms developed to predict the effect of missense changes on protein structure and function (SIFT, PolyPhen-2, Align-GVGD) all suggest that this variant is likely to be tolerated, but these predictions have not been confirmed by published functional studies and their clinical significance is uncertain. In summary, the available evidence is currently insufficient to determine the role of this variant in disease. Therefore, it has been classified as a Variant of Uncertain Significance.

NM_033028.5(BBS4):c.469C>G (p.Gln157Glu)

Gene: BBS4 (Bardet-Biedl syndrome 4; plus strand). Cytogenetic location: 15q24.1.
Variant type: single nucleotide variant.
Coding change: c.469C>G on transcript NM_033028.5 (MANE Select); coding-DNA position 469, C replaced by G.
Protein change: p.Gln157Glu; replaces glutamine 157 with glutamic acid.
Molecular consequence: missense variant. On other transcripts: 5 prime UTR variant (1), non-coding transcript variant (2).
Genome position (GRCh38, 1-based): chr15:72,724,537, C>G. VCF-style: chr15-72724537-C-G. GRCh37 (hg19) VCF-style: chr15-73016878-C-G.
Other names: c.-48C>G (NM_001252678.2); c.469C>G, p.Gln157Glu (NM_001320665.2); short protein forms Q157E.
Identifiers: ClinVar variation 569137 (VCV000569137.1), dbSNP rs1177848403, ClinGen allele CA393076395.